The following is an entry in ClinVar:

NM_001127715.4(STXBP5):c.-6G>A

Genes: STXBP5 (syntaxin binding protein 5; plus strand), STXBP5-AS1 (STXBP5 antisense RNA 1; minus strand), LOC129997394 (ATAC-STARR-seq lymphoblastoid silent region 17649; plus strand). Cytogenetic location: 6q24.3.
Variant type: single nucleotide variant.
Coding change: c.-6G>A on transcript NM_001127715.4 (MANE Select); 6 bases upstream of the start codon, G replaced by A.
Molecular consequence: 5 prime UTR variant. On other transcripts: non-coding transcript variant (1).
Genome position (GRCh38, 1-based): chr6:147,204,527, G>A. VCF-style: chr6-147204527-G-A. GRCh37 (hg19) VCF-style: chr6-147525663-G-A.
Other names: c.-6G>A (NM_001394409.1, NM_139244.6).
Identifiers: ClinVar variation 3033968 (VCV003033968.2), dbSNP rs3811106, ClinGen allele CA4038607.

ClinVar aggregate classification (germline): Benign (0 of 4 stars; one submission).

Conditions:
STXBP5-related disorder. Also called: STXBP5-related condition.

Allele frequency attached by ClinVar (database versions not stated): TOPMed 0.00102; ESP Exome Variant Server 0.00108; 1000 Genomes Project 0.00140; 1000 Genomes Project 30x 0.00156; gnomAD 0.00174; gnomAD exomes 0.00179; ExAC 0.00233.
gnomAD v4.1: 2,881 of 1,611,332 alleles (0.18%); highest among the groups gnomAD compares: East Asian, 0.36%; 7 homozygotes.

Submission:

PreventionGenetics, part of Exact Sciences
Classification: Benign for STXBP5-related condition. Last evaluated: 2023-01-25. Review status: no assertion criteria provided. Collection method: clinical testing. Allele origin: germline.
Comment: This variant is classified as benign based on ACMG/AMP sequence variant interpretation guidelines (Richards et al. 2015 PMID: 25741868, with internal and published modifications).